The following is an entry in ClinVar:

NM_001374736.1(DST):c.23406G>A (p.Thr7802=)

Gene: DST (dystonin; minus strand). Cytogenetic location: 6p12.1.
Variant type: single nucleotide variant.
Coding change: c.23406G>A on transcript NM_001374736.1 (MANE Select); coding-DNA position 23406, G replaced by A.
Protein change: p.Thr7802=; no amino-acid change (threonine 7802 retained).
Molecular consequence: synonymous variant.
Genome position (GRCh38, 1-based): chr6:56,459,056, C>T on the plus strand (G>A on the coding strand, the complement: DST is on the minus strand). VCF-style: chr6-56459056-C-T. GRCh37 (hg19) VCF-style: chr6-56323854-C-T.
Other names: c.16977G>A, p.Thr5659= (NM_001144769.5); c.16563G>A, p.Thr5521= (NM_001144770.2); c.23334G>A, p.Thr7778= (NM_001374722.1); c.22335G>A, p.Thr7445= (NM_001374729.1); c.16077G>A, p.Thr5359= (NM_001374730.1); c.23361G>A, p.Thr7787= (NM_001374734.1); c.16425G>A, p.Thr5475= (NM_001386100.1); c.15465G>A, p.Thr5155= (NM_015548.5); and 2 more.
Identifiers: ClinVar variation 1091770 (VCV001091770.12), dbSNP rs199881276, ClinGen allele CA3865972.

ClinVar aggregate classification (germline): Likely benign. Review status: criteria provided, multiple submitters, no conflicts (2 of 4 stars). 3 submissions from 3 submitters: Likely benign (2). 1 of the submissions does not count toward it. Last evaluated 2026-02-04.

Conditions:
DST-related disorder. Also called: DST-related condition; DST-related disorders.
Hereditary sensory and autonomic neuropathy type 6. Also called: Neuropathy, hereditary sensory and autonomic, type VI; HSAN VI. Identifiers: Orphanet 314381, MedGen C3539003, MONDO:0013839, OMIM 614653.
Epidermolysis bullosa simplex 3, localized or generalized intermediate, with BP230 deficiency (EBS3). Also called: Epidermolysis bullosa simplex, autosomal recessive 2; Epidermolysis bullosa simplex due to BP230 deficiency. Identifiers: Orphanet 412181, MedGen C3809470, MONDO:0014180, OMIM 615425.

Allele frequency attached by ClinVar (database versions not stated): ESP Exome Variant Server 0.00017; gnomAD 0.00022; TOPMed 0.00024; gnomAD exomes 0.00029; ExAC 0.00033.
gnomAD v4.1: 440 of 1,613,748 alleles (0.027%); highest among the groups gnomAD compares: Non-Finnish European, 0.035%; no homozygotes.

Submissions (3):

Labcorp Genetics (formerly Invitae), Labcorp
Classification: Likely benign for Epidermolysis bullosa simplex 3, localized or generalized intermediate, with BP230 deficiency; Hereditary sensory and autonomic neuropathy type 6. Last evaluated: 2026-02-04. Review status: criteria provided, single submitter. Criteria: Invitae Variant Classification Sherloc (09022015). Collection method: clinical testing. Allele origin: germline.

Blueprint Genetics
Classification: Likely benign. Last evaluated: 2024-11-22. Review status: criteria provided, single submitter. Criteria: ACMG Guidelines, 2015. Collection method: clinical testing. Allele origin: germline.

PreventionGenetics, part of Exact Sciences
Classification: Likely benign for DST-related condition. Last evaluated: 2019-03-22. Review status: no assertion criteria provided. Collection method: clinical testing. Allele origin: germline. Not counted in ClinVar's aggregate classification.
Comment: This variant is classified as likely benign based on ACMG/AMP sequence variant interpretation guidelines (Richards et al. 2015 PMID: 25741868, with internal and published modifications).